The following is an entry in ClinVar:

NM_000062.3(SERPING1):c.686-5C>G

Gene: SERPING1 (serpin family G member 1; plus strand). Cytogenetic location: 11q12.1.
Variant type: single nucleotide variant.
Coding change: c.686-5C>G on transcript NM_000062.3 (MANE Select); 5 bases into the intron before coding-DNA position 686, C replaced by G.
Molecular consequence: intron variant.
Genome position (GRCh38, 1-based): chr11:57,606,005, C>G. VCF-style: chr11-57606005-C-G. GRCh37 (hg19) VCF-style: chr11-57373478-C-G.
Other names: c.686-5C>G (NM_001032295.2).
Identifiers: ClinVar variation 305025 (VCV000305025.22), dbSNP rs28362952, ClinGen allele CA6008111.
Genomic context (GRCh38, chr11:57,606,005, plus strand): 5'-AATCGTGCTCATGGAAAGAACGACGTGTTCAGGACTCATGCCTCCCTTTCTCAACATACC[C>G]CCAGACCTGGCCATAAGGGACACCTTTGTGAATGCCTCTCGGACCCTGTACAGCAGCAGC-3'

ClinVar aggregate classification (germline): Likely benign. Review status: criteria provided, multiple submitters, no conflicts (2 of 4 stars). 6 submissions from 6 submitters: Likely benign (4). 2 of the submissions do not count toward it. Last evaluated 2026-01-14.

Conditions:
Hereditary angioedema type 1 (HAE1). Identifiers: Orphanet 100050, Orphanet 100051, Orphanet 91378, MedGen C2717906, MONDO:0015053, OMIM 106100.
SERPING1-related disorder. Also called: SERPING1-related condition.

Allele frequency attached by ClinVar (database versions not stated): gnomAD exomes 0.00007 and 0.00021; ExAC 0.00010; 1000 Genomes Project 30x 0.00016; TOPMed 0.00016; 1000 Genomes Project 0.00020; gnomAD 0.00020 and 0.00022; ESP Exome Variant Server 0.00031.
gnomAD v4.1: 335 of 1,613,786 alleles (0.021%); highest among the groups gnomAD compares: Non-Finnish European, 0.027%; no homozygotes.

Submissions (9):

Labcorp Genetics (formerly Invitae), Labcorp
Classification: Likely benign. Last evaluated: 2026-01-14. Review status: criteria provided, single submitter. Criteria: Invitae Variant Classification Sherloc (09022015). Collection method: clinical testing. Allele origin: germline.

PreventionGenetics, part of Exact Sciences
Classification: Likely benign for SERPING1-related condition. Last evaluated: 2025-11-17. Review status: criteria provided, single submitter. Criteria: ACMG Guidelines, 2015. Collection method: clinical testing. Allele origin: germline.
Comment: This variant is classified as likely benign based on ACMG/AMP sequence variant interpretation guidelines (Richards et al. 2015 PMID: 25741868, with internal and published modifications).

Blueprint Genetics
Classification: Likely benign. Last evaluated: 2024-06-07. Review status: criteria provided, single submitter. Criteria: ACMG Guidelines, 2015. Collection method: clinical testing. Allele origin: germline.

Illumina Laboratory Services, Illumina
Classification: Likely benign for Hereditary angioedema type 1. Last evaluated: 2018-01-12. Review status: criteria provided, single submitter. Criteria: ICSL Variant Classification Criteria 13 December 2019. Collection method: clinical testing. Allele origin: germline.
Comment: This variant was observed in the ICSL laboratory as part of a predisposition screen in an ostensibly healthy population. It had not been previously curated by ICSL or reported in the Human Gene Mutation Database (HGMD: prior to June 1st, 2018), and was therefore a candidate for classification through an automated scoring system. Utilizing variant allele frequency, disease prevalence and penetrance estimates, and inheritance mode, an automated score was calculated to assess if this variant is too frequent to cause the disease. Based on the score and internal cut-off values, a variant classified as likely benign is not then subjected to further curation. The score for this variant resulted in a classification of likely benign for this disease.

Dr. Peter K. Rogan Lab, Western University
No classification provided (evidence only). Condition: Sarcoma. Review status: no classification provided. Collection method: in vitro. Allele origin: not applicable. Functional consequence: skipped exon, retained intron. Not counted in ClinVar's aggregate classification.

Dr. Peter K. Rogan Lab, Western University
No classification provided (evidence only). Condition: Ovarian serous cystadenocarcinoma. Review status: no classification provided. Collection method: in vitro. Allele origin: not applicable. Functional consequence: retained intron. Not counted in ClinVar's aggregate classification.

Dr. Peter K. Rogan Lab, Western University
No classification provided (evidence only). Condition: Malignant tumor of esophagus. Review status: no classification provided. Collection method: in vitro. Allele origin: not applicable. Functional consequence: skipped exon. Not counted in ClinVar's aggregate classification.

Genome Diagnostics Laboratory, University Medical Center Utrecht
Classification: Likely benign. Review status: no assertion criteria provided. Collection method: clinical testing. Allele origin: germline. Affected: yes. Study: VKGL Data-share Consensus. Not counted in ClinVar's aggregate classification.

Joint Genome Diagnostic Labs from Nijmegen and Maastricht, Radboudumc and MUMC+
Classification: Likely benign. Review status: no assertion criteria provided. Collection method: clinical testing. Allele origin: germline. Affected: yes. Study: VKGL Data-share Consensus. Not counted in ClinVar's aggregate classification.